The following is an entry in ClinVar:

ClinVar aggregate classification (germline): Uncertain significance. Review status: criteria provided, multiple submitters, no conflicts (2 of 4 stars). 4 submissions from 4 submitters: Uncertain significance (4). Last evaluated 2025-10-03.

Conditions:
Inborn genetic diseases. Identifiers: MedGen C0950123, MeSH D030342.
Autosomal recessive proximal renal tubular acidosis (PRTAO). Also called: RENAL TUBULAR ACIDOSIS, PROXIMAL, WITH OCULAR ABNORMALITIES AND MENTAL RETARDATION; RTA, PROXIMAL, AUTOSOMAL RECESSIVE; PROXIMAL RENAL TUBULAR ACIDOSIS-OCULAR ANOMALY SYNDROME; RENAL TUBULAR ACIDOSIS, PROXIMAL, WITH OCULAR ABNORMALITIES AND IMPAIRED INTELLECTUAL DEVELOPMENT. Identifiers: Orphanet 93607, MedGen C1970309, MONDO:0011422, OMIM 604278.

gnomAD v4.1: 59 of 1,614,030 alleles (0.0037%); highest among the groups gnomAD compares: Admixed American, 0.0083%; no homozygotes.

Submissions (4):

Rare Kidney Stone Consortium and the Mayo Clinic Hyperoxaluria Center, Mayo Clinic
Classification: Uncertain significance for Autosomal recessive proximal renal tubular acidosis. Last evaluated: 2025-10-03. Review status: criteria provided, single submitter. Criteria: ACMG Guidelines, 2015. Collection method: research. Allele origin: germline. Observed: 1 variant allele.
Comment: ACMG:PM1, PM2, BP4

Ambry Genetics
Classification: Uncertain significance for Inborn genetic diseases. Last evaluated: 2025-02-01. Review status: criteria provided, single submitter. Criteria: Ambry Variant Classification Scheme 2023. Collection method: clinical testing. Allele origin: germline.

Labcorp Genetics (formerly Invitae), Labcorp
Classification: Uncertain significance. Last evaluated: 2024-07-12. Review status: criteria provided, single submitter. Criteria: Invitae Variant Classification Sherloc (09022015). Collection method: clinical testing. Allele origin: germline.
Comment: This sequence change replaces proline, which is neutral and non-polar, with histidine, which is basic and polar, at codon 62 of the SLC4A4 protein (p.Pro62His). This variant is present in population databases (rs146115336, gnomAD 0.01%). This variant has not been reported in the literature in individuals affected with SLC4A4-related conditions. An algorithm developed to predict the effect of missense changes on protein structure and function (PolyPhen-2) suggests that this variant is likely to be disruptive. In summary, the available evidence is currently insufficient to determine the role of this variant in disease. Therefore, it has been classified as a Variant of Uncertain Significance.

Fulgent Genetics
Classification: Uncertain significance for Autosomal recessive proximal renal tubular acidosis. Last evaluated: 2023-12-21. Review status: criteria provided, single submitter. Criteria: ACMG Guidelines, 2015. Collection method: clinical testing. Allele origin: germline.

Literature cited by the submitters: PubMed 40794449 (cited by Rare Kidney Stone Consortium and the Mayo Clinic Hyperoxaluria Center, Mayo Clinic).

NM_001098484.3(SLC4A4):c.317C>A (p.Pro106His)

Gene: SLC4A4 (solute carrier family 4 member 4; plus strand). Cytogenetic location: 4q13.3.
Variant type: single nucleotide variant.
Coding change: c.317C>A on transcript NM_001098484.3 (MANE Select); coding-DNA position 317, C replaced by A.
Protein change: p.Pro106His; replaces proline 106 with histidine.
Molecular consequence: missense variant.
Genome position (GRCh38, 1-based): chr4:71,339,433, C>A. VCF-style: chr4-71339433-C-A. GRCh37 (hg19) VCF-style: chr4-72205150-C-A.
Other names: c.185C>A (NM_003759.3); c.317C>A, p.Pro106His (NM_001134742.2); c.185C>A, p.Pro62His (NM_003759.4); short protein forms P62H, P106H.
Identifiers: ClinVar variation 3590768 (VCV003590768.5).